The following is an entry in ClinVar:

ClinVar aggregate classification (germline): Likely benign (1 of 4 stars; one submission).

Submission:

CeGaT Center for Human Genetics Tuebingen
Classification: Likely benign. Last evaluated: 2026-07-01. Review status: criteria provided, single submitter. Criteria: CeGaT Center For Human Genetics Tuebingen Variant Classification Criteria Version 2. Collection method: clinical testing. Allele origin: germline. Affected: yes. Observed: 6 variant alleles.
Comment: PRR23C: BP4, BS2

NM_001134657.1(PRR23C):c.602C>T (p.Ala201Val)

Gene: PRR23C (proline rich 23C; minus strand). Cytogenetic location: 3q23.
Variant type: single nucleotide variant.
Coding change: c.602C>T on transcript NM_001134657.1 (MANE Select); coding-DNA position 602, C replaced by T.
Protein change: p.Ala201Val; replaces alanine 201 with valine.
Molecular consequence: missense variant.
Genome position (GRCh38, 1-based): chr3:139,044,019, G>A on the plus strand (C>T on the coding strand, the complement: PRR23C is on the minus strand). VCF-style: chr3-139044019-G-A. GRCh37 (hg19) VCF-style: chr3-138762861-G-A.
Other names: short protein forms A201V.
Identifiers: ClinVar variation 4533434 (VCV004533434.6).